The following is an entry in ClinVar:

ClinVar aggregate classification (germline): Uncertain significance (1 of 4 stars; one submission).

Allele frequency attached by ClinVar (database versions not stated): 1000 Genomes Project 0.00020; gnomAD 0.00003; 1000 Genomes Project 30x 0.00016; gnomAD exomes below 0.00001; TOPMed 0.00002.

Submission:

Labcorp Genetics (formerly Invitae), Labcorp
Classification: Uncertain significance. Last evaluated: 2021-11-02. Review status: criteria provided, single submitter. Criteria: Invitae Variant Classification Sherloc (09022015). Collection method: clinical testing. Allele origin: germline.
Comment: This sequence change replaces histidine, which is basic and polar, with glutamine, which is neutral and polar, at codon 1576 of the RTTN protein (p.His1576Gln). This variant is present in population databases (rs182319351, gnomAD 0.003%). This variant has not been reported in the literature in individuals affected with RTTN-related conditions. Algorithms developed to predict the effect of missense changes on protein structure and function (SIFT, PolyPhen-2, Align-GVGD) all suggest that this variant is likely to be tolerated. In summary, the available evidence is currently insufficient to determine the role of this variant in disease. Therefore, it has been classified as a Variant of Uncertain Significance.

NM_173630.4(RTTN):c.4728T>A (p.His1576Gln)

Gene: RTTN (rotatin; minus strand). Cytogenetic location: 18q22.2.
Variant type: single nucleotide variant.
Coding change: c.4728T>A on transcript NM_173630.4 (MANE Select); coding-DNA position 4728, T replaced by A.
Protein change: p.His1576Gln; replaces histidine 1576 with glutamine.
Molecular consequence: missense variant.
Genome position (GRCh38, 1-based): chr18:70,065,848, A>T on the plus strand (T>A on the coding strand, the complement: RTTN is on the minus strand). VCF-style: chr18-70065848-A-T. GRCh37 (hg19) VCF-style: chr18-67733084-A-T.
Other names: c.1992T>A, p.His664Gln (NM_001318520.2); short protein forms H1576Q, H664Q.
Identifiers: ClinVar variation 1467735 (VCV001467735.3), dbSNP rs182319351, ClinGen allele CA301951254.
Genomic context (GRCh38, chr18:70,065,848, plus strand): 5'-TTTTTCTTTTTGAAGGTAGAATGTCTTCACTAAAAGGATACCTTGAGCCACAAACTGGTC[A>T]TGGGAGGCTTCAGGTAGAAGTGTTGTTGACTGCACAAGTGGCTGAAATTCAGTACTCCCC-3'
Protein context (NP_775901.3, residues 1566-1586): QSTTLLPEAS[His1576Gln]DQFVAQGHQE